The following is an entry in ClinVar:

NM_001114753.3(ENG):c.626T>A (p.Leu209Ter)

Gene: ENG (endoglin; minus strand). Cytogenetic location: 9q34.11.
Variant type: single nucleotide variant.
Coding change: c.626T>A on transcript NM_001114753.3 (MANE Select); coding-DNA position 626, T replaced by A.
Protein change: p.Leu209Ter; replaces leucine 209 with a stop codon.
Molecular consequence: nonsense.
Genome position (GRCh38, 1-based): chr9:127,825,758, A>T on the plus strand (T>A on the coding strand, the complement: ENG is on the minus strand). VCF-style: chr9-127825758-A-T. GRCh37 (hg19) VCF-style: chr9-130588037-A-T.
Other names: c.626T>A, p.Leu209Ter (NM_000118.4, NM_001406715.1); c.80T>A, p.Leu27Ter (NM_001278138.2); short protein forms L209*, L27*.
Identifiers: ClinVar variation 852561 (VCV000852561.13), dbSNP rs1243079862, ClinGen allele CA374983606.
Genomic context (GRCh38, chr9:127,825,758, plus strand): 5'-GCCGAGTGGCCCGGCAGGACCCTCAGGATGTGCGCCTCCTTGTGGCCGGCCACGCCTTCC[A>T]AGTGGCAGCCCCGGACCAAGGCTGGAGTACGCGGCCGCCACTCGAGCGTGCGGCCCATGT-3'

ClinVar aggregate classification (germline): Pathogenic. Review status: criteria provided, multiple submitters, no conflicts (2 of 4 stars). 2 submissions from 2 submitters: Pathogenic (2). Last evaluated 2019-11-21.

Conditions:
Hereditary hemorrhagic telangiectasia (HHT). Also called: ORW DISEASE; Osler Weber Rendu syndrome; OSLER-RENDU-WEBER DISEASE; Osler hemorrhagic telangiectasia syndrome. Identifiers: Orphanet 774, MedGen C0039445, MONDO:0019180. Disease mechanism: loss of function.
Cardiovascular phenotype. Identifiers: MedGen CN230736.

Submissions (2):

Labcorp Genetics (formerly Invitae), Labcorp
Classification: Pathogenic for Hereditary hemorrhagic telangiectasia. Last evaluated: 2019-11-21. Review status: criteria provided, single submitter. Criteria: Invitae Variant Classification Sherloc (09022015). Collection method: clinical testing. Allele origin: germline.
Comment: For these reasons, this variant has been classified as Pathogenic. Loss-of-function variants in ENG are known to be pathogenic (PMID: 15879500, 20656886, 22385575). Algorithms developed to predict the effect of sequence changes on RNA splicing suggest that this variant may create or strengthen a splice site, but this prediction has not been confirmed by published transcriptional studies. This variant has been observed in individual(s) with hereditary hemorrhagic telangiectasia (PMID: 21158752). This variant is not present in population databases (ExAC no frequency). This sequence change creates a premature translational stop signal (p.Leu209*) in the ENG gene. It is expected to result in an absent or disrupted protein product.

Ambry Genetics
Classification: Pathogenic for Cardiovascular phenotype. Last evaluated: 2019-05-04. Review status: criteria provided, single submitter. Criteria: Ambry Variant Classification Scheme 2023. Collection method: clinical testing. Allele origin: germline.
Comment: The p.L209* pathogenic mutation (also known as c.626T>A), located in coding exon 5 of the ENG gene, results from a T to A substitution at nucleotide position 626. This changes the amino acid from a leucine to a stop codon within coding exon 5. This mutation was reported in an individual with daily epistaxis and pulmonary arteriovenous malformations (McDonald J et al. Clin. Genet., 2011 Apr;79:335-44). In addition to the clinical data presented in the literature, this alteration is expected to result in loss of function by premature protein truncation or nonsense-mediated mRNA decay. As such, this alteration is interpreted as a disease-causing mutation.

Literature cited by the submitters: PubMed 15879500 (cited by Labcorp Genetics (formerly Invitae), Labcorp); PubMed 20656886 (cited by Labcorp Genetics (formerly Invitae), Labcorp); PubMed 22385575 (cited by Labcorp Genetics (formerly Invitae), Labcorp); PubMed 21158752 (cited by Labcorp Genetics (formerly Invitae), Labcorp and Ambry Genetics).